The following is an entry in ClinVar:

NM_003274.5(TRAPPC10):c.1047C>T (p.Val349=)

Gene: TRAPPC10 (trafficking protein particle complex subunit 10; plus strand). Cytogenetic location: 21q22.3.
Variant type: single nucleotide variant.
Coding change: c.1047C>T on transcript NM_003274.5 (MANE Select); coding-DNA position 1047, C replaced by T.
Protein change: p.Val349=; no amino-acid change (valine 349 retained).
Molecular consequence: synonymous variant. On other transcripts: 5 prime UTR variant (1).
Genome position (GRCh38, 1-based): chr21:44,074,332, C>T. VCF-style: chr21-44074332-C-T. GRCh37 (hg19) VCF-style: chr21-45494213-C-T.
Other names: c.-458C>T (NM_001351709.1).
Identifiers: ClinVar variation 4821927 (VCV004821927.4).

ClinVar aggregate classification (germline): Likely benign (1 of 4 stars; one submission).

Submission:

CeGaT Center for Human Genetics Tuebingen
Classification: Likely benign. Last evaluated: 2026-03-01. Review status: criteria provided, single submitter. Criteria: CeGaT Center For Human Genetics Tuebingen Variant Classification Criteria Version 2. Collection method: clinical testing. Allele origin: germline. Affected: yes. Observed: 1 variant allele.
Comment: TRAPPC10: PM2:Supporting, BP4, BP7